The following is an entry in ClinVar:

ClinVar aggregate classification (germline): Uncertain significance (1 of 4 stars; one submission).

Submission:

GeneDx
Classification: Uncertain significance. Last evaluated: 2024-06-12. Review status: criteria provided, single submitter. Criteria: GeneDx Variant Classification Process June 2021. Collection method: clinical testing. Allele origin: germline. Affected: yes.
Comment: Not observed at significant frequency in large population cohorts (gnomAD); In silico analysis supports that this missense variant has a deleterious effect on protein structure/function; Has not been previously published as pathogenic or benign to our knowledge

NM_014159.7(SETD2):c.430T>A (p.Phe144Ile)

Gene: SETD2 (SET domain containing 2, histone lysine methyltransferase; minus strand). Cytogenetic location: 3p21.31.
Variant type: single nucleotide variant.
Coding change: c.430T>A on transcript NM_014159.7 (MANE Select); coding-DNA position 430, T replaced by A.
Protein change: p.Phe144Ile; replaces phenylalanine 144 with isoleucine.
Molecular consequence: missense variant. On other transcripts: non-coding transcript variant (1).
Genome position (GRCh38, 1-based): chr3:47,124,206, A>T on the plus strand (T>A on the coding strand, the complement: SETD2 is on the minus strand). VCF-style: chr3-47124206-A-T. GRCh37 (hg19) VCF-style: chr3-47165696-A-T.
Other names: c.298T>A, p.Phe100Ile (NM_001349370.3); short protein forms F100I, F144I.
Identifiers: ClinVar variation 3390786 (VCV003390786.1).